The following is an entry in ClinVar:

ClinVar aggregate classification (germline): Uncertain significance (1 of 4 stars; one submission).

Submission:

Labcorp Genetics (formerly Invitae), Labcorp
Classification: Uncertain significance. Last evaluated: 2023-08-30. Review status: criteria provided, single submitter. Criteria: Invitae Variant Classification Sherloc (09022015). Collection method: clinical testing. Allele origin: germline.
Comment: In summary, the available evidence is currently insufficient to determine the role of this variant in disease. Therefore, it has been classified as a Variant of Uncertain Significance. Advanced modeling of protein sequence and biophysical properties (such as structural, functional, and spatial information, amino acid conservation, physicochemical variation, residue mobility, and thermodynamic stability) performed at Invitae indicates that this missense variant is not expected to disrupt SETD5 protein function. ClinVar contains an entry for this variant (Variation ID: 1718137). This variant has not been reported in the literature in individuals affected with SETD5-related conditions. This variant is not present in population databases (gnomAD no frequency). This sequence change replaces glutamine, which is neutral and polar, with lysine, which is basic and polar, at codon 235 of the SETD5 protein (p.Gln235Lys).

NM_001080517.3(SETD5):c.703C>A (p.Gln235Lys)

Gene: SETD5 (SET domain containing 5; plus strand). Cytogenetic location: 3p25.3.
Variant type: single nucleotide variant.
Coding change: c.703C>A on transcript NM_001080517.3 (MANE Select); coding-DNA position 703, C replaced by A.
Protein change: p.Gln235Lys; replaces glutamine 235 with lysine.
Molecular consequence: missense variant.
Genome position (GRCh38, 1-based): chr3:9,440,591, C>A. VCF-style: chr3-9440591-C-A. GRCh37 (hg19) VCF-style: chr3-9482275-C-A.
Other names: c.409C>A, p.Gln137Lys (NM_001292043.2, NM_001349451.2); short protein forms Q137K, Q235K.
Identifiers: ClinVar variation 1718137 (VCV001718137.5), dbSNP rs2472659366, ClinGen allele CA351687691.